The following is an entry in ClinVar:

NM_003073.5(SMARCB1):c.987C>A (p.Ser329Arg)

Gene: SMARCB1 (SWI/SNF related BAF chromatin remodeling complex subunit B1; plus strand). Cytogenetic location: 22q11.23.
Variant type: single nucleotide variant.
Coding change: c.987C>A on transcript NM_003073.5 (MANE Select); coding-DNA position 987, C replaced by A.
Protein change: p.Ser329Arg; replaces serine 329 with arginine.
Molecular consequence: missense variant.
Genome position (GRCh38, 1-based): chr22:23,833,572, C>A. VCF-style: chr22-23833572-C-A. GRCh37 (hg19) VCF-style: chr22-24175759-C-A.
Other names: c.960C>A, p.Ser320Arg (NM_001007468.3); c.1014C>A, p.Ser338Arg (NM_001317946.2); c.1041C>A, p.Ser347Arg (NM_001362877.2); short protein forms S320R, S329R, S338R, S347R.
Identifiers: ClinVar variation 949393 (VCV000949393.9), dbSNP rs137942040, ClinGen allele CA410912827.
Genomic context (GRCh38, chr22:23,833,572, plus strand): 5'-TGAGGATTCTCCATCTATAGCTGGAAAAGTCATTCCTCTCACTGCCTCCCCTCCTCGTAG[C>A]GAGAACCCTCTGCCCACAGTGGAGATTGCCATCCGGAACACGGGCGATGCGGACCAGTGG-3'
Protein context (NP_003064.2, residues 319-339): LSWHQKTYAF[Ser329Arg]ENPLPTVEIA

ClinVar aggregate classification (germline): Uncertain significance (1 of 4 stars; one submission).

Submission:

Labcorp Genetics (formerly Invitae), Labcorp
Classification: Uncertain significance. Last evaluated: 2019-08-12. Review status: criteria provided, single submitter. Criteria: Invitae Variant Classification Sherloc (09022015). Collection method: clinical testing. Allele origin: germline.
Comment: This sequence change replaces serine with arginine at codon 329 of the SMARCB1 protein (p.Ser329Arg). The serine residue is highly conserved and there is a moderate physicochemical difference between serine and arginine. This variant is not present in population databases (ExAC no frequency). This variant has not been reported in the literature in individuals with SMARCB1-related conditions. Algorithms developed to predict the effect of missense changes on protein structure and function (SIFT, PolyPhen-2, Align-GVGD) all suggest that this variant is likely to be tolerated, but these predictions have not been confirmed by published functional studies and their clinical significance is uncertain. In summary, the available evidence is currently insufficient to determine the role of this variant in disease. Therefore, it has been classified as a Variant of Uncertain Significance.